The following is an entry in ClinVar:

NM_004655.4(AXIN2):c.816-7C>T

Gene: AXIN2 (axin 2; minus strand). Cytogenetic location: 17q24.1.
Variant type: single nucleotide variant.
Coding change: c.816-7C>T on transcript NM_004655.4 (MANE Select); 7 bases into the intron before coding-DNA position 816, C replaced by T.
Molecular consequence: intron variant.
Genome position (GRCh38, 1-based): chr17:65,549,667, G>A on the plus strand (C>T on the coding strand, the complement: AXIN2 is on the minus strand). VCF-style: chr17-65549667-G-A. GRCh37 (hg19) VCF-style: chr17-63545785-G-A.
Other names: c.816-7C>T (NM_001363813.1).
Identifiers: ClinVar variation 1107427 (VCV001107427.10), dbSNP rs2144540322, ClinGen allele CA2499224858.

ClinVar aggregate classification (germline): Likely benign. Review status: criteria provided, multiple submitters, no conflicts (2 of 4 stars). 2 submissions from 2 submitters: Likely benign (2). Last evaluated 2024-06-27.

Conditions:
Oligodontia-cancer predisposition syndrome. Also called: TOOTH AGENESIS-COLORECTAL CANCER SYNDROME. Identifiers: Orphanet 300576, MedGen C1837750, MONDO:0012075, OMIM 608615. Disease mechanism: loss of function.

Submissions (2):

Myriad Genetics, Inc.
Classification: Likely benign for Oligodontia-cancer predisposition syndrome. Last evaluated: 2024-06-27. Review status: criteria provided, single submitter. Criteria: Myriad Autosomal Dominant, Autosomal Recessive and X-Linked Classification Criteria (2023). Collection method: clinical testing. Allele origin: unknown.
Comment: This variant is considered likely benign. This variant is intronic and is not expected to impact mRNA splicing.

Labcorp Genetics (formerly Invitae), Labcorp
Classification: Likely benign for Oligodontia-cancer predisposition syndrome. Last evaluated: 2024-01-08. Review status: criteria provided, single submitter. Criteria: Invitae Variant Classification Sherloc (09022015). Collection method: clinical testing. Allele origin: germline.